The following is an entry in ClinVar:

NM_152327.5(AK7):c.287C>G (p.Thr96Arg)

Gene: AK7 (adenylate kinase 7; plus strand). Cytogenetic location: 14q32.2.
Variant type: single nucleotide variant.
Coding change: c.287C>G on transcript NM_152327.5 (MANE Select); coding-DNA position 287, C replaced by G.
Protein change: p.Thr96Arg; replaces threonine 96 with arginine.
Molecular consequence: missense variant.
Genome position (GRCh38, 1-based): chr14:96,398,256, C>G. VCF-style: chr14-96398256-C-G. GRCh37 (hg19) VCF-style: chr14-96864593-C-G.
Other names: c.287C>G, p.Thr96Arg (NM_001350888.2, NM_001350890.2, NM_001350891.2 and 1 more transcripts); short protein forms T96R.
Identifiers: ClinVar variation 3020703 (VCV003020703.2), dbSNP rs780592470, ClinGen allele CA7337401.

ClinVar aggregate classification (germline): Uncertain significance (1 of 4 stars; one submission).

Allele frequency attached by ClinVar (database versions not stated): gnomAD 0.00002; ExAC 0.00004.
gnomAD v4.1: 36 of 1,612,754 alleles (0.0022%); highest among the groups gnomAD compares: Non-Finnish European, 0.0025%; no homozygotes.

Submission:

Labcorp Genetics (formerly Invitae), Labcorp
Classification: Uncertain significance. Last evaluated: 2023-02-02. Review status: criteria provided, single submitter. Criteria: Invitae Variant Classification Sherloc (09022015). Collection method: clinical testing. Allele origin: germline.
Comment: In summary, the available evidence is currently insufficient to determine the role of this variant in disease. Therefore, it has been classified as a Variant of Uncertain Significance. This sequence change replaces threonine, which is neutral and polar, with arginine, which is basic and polar, at codon 96 of the AK7 protein (p.Thr96Arg). This variant is present in population databases (rs780592470, gnomAD 0.01%). This variant has not been reported in the literature in individuals affected with AK7-related conditions. Advanced modeling of protein sequence and biophysical properties (such as structural, functional, and spatial information, amino acid conservation, physicochemical variation, residue mobility, and thermodynamic stability) performed at Invitae indicates that this missense variant is not expected to disrupt AK7 protein function. Algorithms developed to predict the effect of sequence changes on RNA splicing suggest that this variant may create or strengthen a splice site.